The following is an entry in ClinVar:

NM_012210.4(TRIM32):c.967A>G (p.Arg323Gly)

Genes: ASTN2 (astrotactin 2; minus strand), TRIM32 (tripartite motif containing 32; plus strand). Cytogenetic location: 9q33.1.
Variant type: single nucleotide variant.
Coding change: c.967A>G on transcript NM_012210.4 (MANE Select); coding-DNA position 967, A replaced by G.
Protein change: p.Arg323Gly; replaces arginine 323 with glycine.
Molecular consequence: missense variant. On other transcripts: intron variant (3).
Genome position (GRCh38, 1-based): chr9:116,698,709, A>G. VCF-style: chr9-116698709-A-G. GRCh37 (hg19) VCF-style: chr9-119460988-A-G.
Other names: c.967A>G, p.Arg323Gly (NM_001099679.2, NM_001379048.1, NM_001379049.1 and 1 more transcripts); c.2653+27062T>C (NM_014010.5); c.2794+27062T>C (NM_001365069.1); c.2806+27062T>C (NM_001365068.1); short protein forms R323G.
Identifiers: ClinVar variation 3356847 (VCV003356847.1).

ClinVar aggregate classification (germline): Uncertain significance (0 of 4 stars; one submission).

Conditions:
TRIM32-related disorder. Also called: TRIM32-related condition.

gnomAD v4.1: 13 of 1,614,202 alleles (0.00081%); highest among the groups gnomAD compares: Non-Finnish European, 0.0011%; no homozygotes.

Submission:

PreventionGenetics, part of Exact Sciences
Classification: Uncertain significance for TRIM32-related condition. Last evaluated: 2024-07-08. Review status: no assertion criteria provided. Collection method: clinical testing. Allele origin: germline.
Comment: The TRIM32 c.967A>G variant is predicted to result in the amino acid substitution p.Arg323Gly. To our knowledge, this variant has not been reported in the literature. This variant is reported in 0.00088% of alleles in individuals of European (Non-Finnish) descent in gnomAD. At this time, the clinical significance of this variant is uncertain due to the absence of conclusive functional and genetic evidence.